The following is an entry in ClinVar:

NM_001367721.1(CASK):c.559dup (p.Ala187fs)

Gene: CASK (calcium/calmodulin dependent serine protein kinase; minus strand). Cytogenetic location: Xp11.4.
Variant type: Duplication.
Coding change: c.559dup on transcript NM_001367721.1 (MANE Select); coding-DNA position 559, one base duplicated (G; older notation c.559dupG).
Protein change: p.Ala187fs; shifts the reading frame from alanine 187.
Molecular consequence: frameshift variant.
Genome position (GRCh38, 1-based): chrX:41,665,426, C duplicated on the plus strand (G on the coding strand, the reverse complement: CASK is on the minus strand); the first of 2 consecutive C bases (chrX:41,665,426-41,665,427); duplicating either gives the same sequence. VCF-style (leftmost placement, unchanged base first): chrX-41665425-G-GC. GRCh37 (hg19) VCF-style: chrX-41524678-G-GC.
Other names: c.559dup, p.Ala187fs (NM_001126054.3, NM_001126055.3, NM_001410745.1 and 1 more transcripts); short protein forms A187fs.
Identifiers: ClinVar variation 4759348 (VCV004759348.1).

ClinVar aggregate classification (germline): Likely pathogenic (1 of 4 stars; one submission).

Conditions:
Syndromic X-linked intellectual disability Najm type (MICPCH). Also called: MICPCH SYNDROME; Intellectual developmental disorder and microcephaly with pontine and cerebellar hypoplasia; Intellectual Disability and Microcephaly with Pontine and Cerebellar Hypoplasia; Mental retardation and microcephaly with pontine and cerebellar hypoplasia; MENTAL RETARDATION, X-LINKED, SYNDROMIC, NAJM TYPE; Intellectual Disability and Microcephaly with Pontine and Cerebellar Hypoplasia (MICPCH). Identifiers: Orphanet 163937, MedGen C2677903, MONDO:0010417, OMIM 300749.

Submission:

Ozbek Human Genetics Laboratory, Izmir Biomedicine and Genome Center
Classification: Likely pathogenic for Syndromic X-linked intellectual disability Najm type. Last evaluated: 2025-11-27. Review status: criteria provided, single submitter. Criteria: ACMG Guidelines, 2015. Collection method: research. Allele origin: de novo. Inheritance: X-linked inheritance. Affected: yes. Observed: 1 heterozygote.
Comment: Examination revealed scoliosis and dysmorphic features including broad nasal bridge with upturned nares, thick lower lip, and micrognathia. Behavioral and neurological findings included stereotypic hand flapping, self-injurious finger biting with callus formation, and electrical status epilepticus during sleep (ESES). MRI confirmed pontocerebellar hypoplasia. Whole exome sequencing identified a de novo heterozygous CASK frameshift variant (NM_001367721.1:c.559dup; p.Ala187Glyfs*42), consistent with MICPCH syndrome.